The following is an entry in ClinVar:

NM_012193.4(FZD4):c.947G>C (p.Ser316Thr)

Genes: FZD4 (frizzled class receptor 4; minus strand), PRSS23 (serine protease 23; plus strand). Cytogenetic location: 11q14.2.
Variant type: single nucleotide variant.
Coding change: c.947G>C on transcript NM_012193.4 (MANE Select); coding-DNA position 947, G replaced by C.
Protein change: p.Ser316Thr; replaces serine 316 with threonine.
Molecular consequence: missense variant. On other transcripts: non-coding transcript variant (2).
Genome position (GRCh38, 1-based): chr11:86,951,809, C>G on the plus strand (G>C on the coding strand, the complement: FZD4 is on the minus strand). VCF-style: chr11-86951809-C-G. GRCh37 (hg19) VCF-style: chr11-86662851-C-G.
Other names: c.947G>C (NM_012193.3); short protein forms S316T.
Identifiers: ClinVar variation 2105426 (VCV002105426.5), dbSNP rs1460240267, ClinGen allele CA382013782.
Genomic context (GRCh38, chr11:86,951,809, plus strand): 5'-CCCCATTTGAGTCCTGCTGCCAAAAACCAAGTGAGTGTCAGAATAACCCACCAAATGGAG[C>G]TGGCCATTCCAAAAAAGTACATCAGCAAGAAAATTATTGCACATCCTGTGTTCTTAAGTC-3'
Protein context (NP_036325.2, residues 306-326): FLLMYFFGMA[Ser316Thr]SIWWVILTLT

ClinVar aggregate classification (germline): Uncertain significance. Review status: criteria provided, multiple submitters, no conflicts (2 of 4 stars). 2 submissions from 2 submitters: Uncertain significance (2). Last evaluated 2023-12-22.

Conditions:
Inborn genetic diseases. Identifiers: MedGen C0950123, MeSH D030342.

Submissions (2):

Ambry Genetics
Classification: Uncertain significance for Inborn genetic diseases. Last evaluated: 2023-12-22. Review status: criteria provided, single submitter. Criteria: Ambry Variant Classification Scheme 2023. Collection method: clinical testing. Allele origin: germline.

Labcorp Genetics (formerly Invitae), Labcorp
Classification: Uncertain significance. Last evaluated: 2022-08-21. Review status: criteria provided, single submitter. Criteria: Invitae Variant Classification Sherloc (09022015). Collection method: clinical testing. Allele origin: germline.
Comment: This sequence change replaces serine, which is neutral and polar, with threonine, which is neutral and polar, at codon 316 of the FZD4 protein (p.Ser316Thr). This variant is not present in population databases (gnomAD no frequency). This variant has not been reported in the literature in individuals affected with FZD4-related conditions. Algorithms developed to predict the effect of missense changes on protein structure and function (SIFT, PolyPhen-2, Align-GVGD) all suggest that this variant is likely to be disruptive. In summary, the available evidence is currently insufficient to determine the role of this variant in disease. Therefore, it has been classified as a Variant of Uncertain Significance.